The following is an entry in ClinVar:

ClinVar aggregate classification (germline): Pathogenic (1 of 4 stars; one submission).

Conditions:
Tuberous sclerosis 2 (TSC2). Identifiers: Orphanet 805, MedGen C1860707, MONDO:0013199, OMIM 613254.

Submission:

Labcorp Genetics (formerly Invitae), Labcorp
Classification: Pathogenic for Tuberous sclerosis 2. Last evaluated: 2023-10-13. Review status: criteria provided, single submitter. Criteria: Invitae Variant Classification Sherloc (09022015). Collection method: clinical testing. Allele origin: germline.
Comment: This sequence change is a complex rearrangement involving exons 1-35 of the TSC2 gene, including a copy number gain of exons 22-35. Although the exact nature of the event is unknown, it is likely that this is a large inversion event, that would either disrupt the transcription or result in a truncated protein product. This variant has not been reported in the literature in individuals affected with TSC2-related conditions. For these reasons, this variant has been classified as Pathogenic.

NC_000016.9:g.(?_2124181)_(2135047_?)dup

Gene: TSC2 (TSC complex subunit 2; plus strand). Cytogenetic location: 16p13.3.
Variant type: Duplication.
Identifiers: ClinVar variation 1459275 (VCV001459275.4).